The following is an entry in ClinVar:

ClinVar aggregate classification (germline): Benign/Likely benign. Review status: criteria provided, multiple submitters, no conflicts (2 of 4 stars). 4 submissions from 4 submitters: Benign (1); Likely benign (3). Last evaluated 2026-09-01.

Conditions:
3MC syndrome 1. Also called: OCULOPALATOSKELETAL SYNDROME; CRANIOSYNOSTOSIS WITH LID ANOMALIES; MICHELS SYNDROME. Identifiers: Orphanet 293843, MedGen C0796059, MONDO:0009770, OMIM 257920.

Allele frequency attached by ClinVar (database versions not stated): ESP Exome Variant Server 0.00069; ExAC 0.00117; gnomAD exomes 0.00117; TOPMed 0.00140; gnomAD 0.00172; 1000 Genomes Project 30x 0.00250; 1000 Genomes Project 0.00280.
gnomAD v4.1: 1,378 of 1,614,182 alleles (0.085%); highest among the groups gnomAD compares: East Asian, 1.9%; 9 homozygotes.

Submissions (4):

CeGaT Center for Human Genetics Tuebingen
Classification: Likely benign. Last evaluated: 2026-09-01. Review status: criteria provided, single submitter. Criteria: CeGaT Center For Human Genetics Tuebingen Variant Classification Criteria Version 2. Collection method: clinical testing. Allele origin: germline. Affected: yes. Observed: 1 variant allele.
Comment: MASP1: BS1

Labcorp Genetics (formerly Invitae), Labcorp
Classification: Benign for 3MC syndrome 1. Last evaluated: 2025-09-17. Review status: criteria provided, single submitter. Criteria: Invitae Variant Classification Sherloc (09022015). Collection method: clinical testing. Allele origin: germline.

Blueprint Genetics
Classification: Likely benign. Last evaluated: 2024-10-23. Review status: criteria provided, single submitter. Criteria: ACMG Guidelines, 2015. Collection method: clinical testing. Allele origin: germline.

GeneDx
Classification: Likely benign. Last evaluated: 2020-05-18. Review status: criteria provided, single submitter. Criteria: GeneDx Variant Classification Process June 2021. Collection method: clinical testing. Allele origin: germline. Affected: yes.

NM_139125.4(MASP1):c.64G>A (p.Val22Met)

Genes: MASP1 (MBL associated serine protease 1; minus strand), LOC108281160 (MED14-independent group 3 enhancer GRCh37_chr3:187003628-187004827; plus strand). Cytogenetic location: 3q27.3.
Variant type: single nucleotide variant.
Coding change: c.64G>A on transcript NM_139125.4 (MANE Select); coding-DNA position 64, G replaced by A.
Protein change: p.Val22Met; replaces valine 22 with methionine.
Molecular consequence: missense variant.
Genome position (GRCh38, 1-based): chr3:187,285,998, C>T on the plus strand (G>A on the coding strand, the complement: MASP1 is on the minus strand). VCF-style: chr3-187285998-C-T. GRCh37 (hg19) VCF-style: chr3-187003786-C-T.
Other names: c.64G>A, p.Val22Met (NM_001031849.3, NM_001879.6); short protein forms V22M.
Identifiers: ClinVar variation 702560 (VCV000702560.15), dbSNP rs77189011, ClinGen allele CA2749729.